The following is an entry in ClinVar:

NM_032801.5(JAM3):c.700G>C (p.Glu234Gln)

Gene: JAM3 (junctional adhesion molecule 3; plus strand). Cytogenetic location: 11q25.
Variant type: single nucleotide variant.
Coding change: c.700G>C on transcript NM_032801.5 (MANE Select); coding-DNA position 700, G replaced by C.
Protein change: p.Glu234Gln; replaces glutamic acid 234 with glutamine.
Molecular consequence: missense variant.
Genome position (GRCh38, 1-based): chr11:134,146,033, G>C. VCF-style: chr11-134146033-G-C. GRCh37 (hg19) VCF-style: chr11-134015928-G-C.
Other names: c.547G>C, p.Glu183Gln (NM_001205329.2); short protein forms E183Q, E234Q.
Identifiers: ClinVar variation 3346973 (VCV003346973.1).

ClinVar aggregate classification (germline): Uncertain significance (0 of 4 stars; one submission).

Conditions:
JAM3-related disorder. Also called: JAM3-related condition.

gnomAD v4.1: 3 of 1,612,376 alleles (0.00019%); highest among the groups gnomAD compares: Non-Finnish European, 0.00025%; no homozygotes.

Submission:

PreventionGenetics, part of Exact Sciences
Classification: Uncertain significance for JAM3-related condition. Last evaluated: 2024-04-02. Review status: no assertion criteria provided. Collection method: clinical testing. Allele origin: germline.
Comment: The JAM3 c.700G>C variant is predicted to result in the amino acid substitution p.Glu234Gln. To our knowledge, this variant has not been reported in the literature. This variant is reported in 0.0018% of alleles in individuals of European (Non-Finnish) descent in gnomAD. At this time, the clinical significance of this variant is uncertain due to the absence of conclusive functional and genetic evidence.